The following is an entry in ClinVar:

ClinVar aggregate classification (germline): Uncertain significance. Review status: criteria provided, multiple submitters, no conflicts (2 of 4 stars). 5 submissions from 5 submitters: Uncertain significance (2). 3 of the submissions do not count toward it. Last evaluated 2026-01-16.

Conditions:
Joubert syndrome. Also called: Familial aplasia of the vermis; JOUBERT-BOLTSHAUSER SYNDROME. Identifiers: Orphanet 475, MedGen C5979921, MONDO:0018772.
Meckel-Gruber syndrome. Also called: Dysencephalia splachnocystica; DYSENCEPHALIA SPLANCHNOCYSTICA; GRUBER SYNDROME. Identifiers: Orphanet 564, MedGen C0265215, MONDO:0018921.
MKS1-related disorder. Also called: MKS1-related condition; MKS1-related disorders. Identifiers: MedGen CN239382.
Joubert syndrome 28 (JBTS28). Identifiers: MedGen C4310705, MONDO:0014928, OMIM 617121.
Bardet-Biedl syndrome 13 (BBS13). Identifiers: Orphanet 110, MedGen C2673873, MONDO:0014441, OMIM 615990.
Meckel syndrome, type 1 (MKS1). Also called: MECKEL-GRUBER SYNDROME, TYPE 1. Identifiers: Orphanet 564, MedGen C3714506, MONDO:0009571, OMIM 249000.

Allele frequency attached by ClinVar (database versions not stated): ExAC 0.00002; gnomAD exomes 0.00002 and 0.00004; TOPMed 0.00006; gnomAD 0.00009 and 0.00010.
gnomAD v4.1: 68 of 1,613,658 alleles (0.0042%); highest among the groups gnomAD compares: African/African-American, 0.016%; no homozygotes.

Submissions (5):

Labcorp Genetics (formerly Invitae), Labcorp
Classification: Uncertain significance for Joubert syndrome; Meckel-Gruber syndrome. Last evaluated: 2026-01-16. Review status: criteria provided, single submitter. Criteria: Invitae Variant Classification Sherloc (09022015). Collection method: clinical testing. Allele origin: germline.
Comment: This sequence change replaces arginine, which is basic and polar, with cysteine, which is neutral and slightly polar, at codon 479 of the MKS1 protein (p.Arg479Cys). This variant is present in population databases (rs769442220, gnomAD 0.005%). This variant has not been reported in the literature in individuals affected with MKS1-related conditions. ClinVar contains an entry for this variant (Variation ID: 1285105). Invitae Evidence Modeling of protein sequence and biophysical properties (such as structural, functional, and spatial information, amino acid conservation, physicochemical variation, residue mobility, and thermodynamic stability) indicates that this missense variant is not expected to disrupt MKS1 protein function with a negative predictive value of 80%. In summary, the available evidence is currently insufficient to determine the role of this variant in disease. Therefore, it has been classified as a Variant of Uncertain Significance.

Fulgent Genetics
Classification: Uncertain significance for Meckel syndrome, type 1; Bardet-Biedl syndrome 13; Joubert syndrome 28. Last evaluated: 2023-12-29. Review status: criteria provided, single submitter. Criteria: ACMG Guidelines, 2015. Collection method: clinical testing. Allele origin: germline.

PreventionGenetics, part of Exact Sciences
Classification: Uncertain significance for MKS1-related condition. Last evaluated: 2024-01-23. Review status: no assertion criteria provided. Collection method: clinical testing. Allele origin: germline. Not counted in ClinVar's aggregate classification.
Comment: The MKS1 c.1435C>T variant is predicted to result in the amino acid substitution p.Arg479Cys. To our knowledge, this variant has not been reported in the literature. This variant is reported in 0.0055% of alleles in individuals of European (Non-Finnish) descent in gnomAD. At this time, the clinical significance of this variant is uncertain due to the absence of conclusive functional and genetic evidence.

Clinical Genetics DNA and cytogenetics Diagnostics Lab, Erasmus MC, Erasmus Medical Center
Classification: Likely benign. Review status: no assertion criteria provided. Collection method: clinical testing. Allele origin: germline. Affected: yes. Study: VKGL Data-share Consensus. Not counted in ClinVar's aggregate classification.

Genome Diagnostics Laboratory, University Medical Center Utrecht
Classification: Benign. Review status: no assertion criteria provided. Collection method: clinical testing. Allele origin: germline. Affected: yes. Study: VKGL Data-share Consensus. Not counted in ClinVar's aggregate classification.

NM_017777.4(MKS1):c.1435C>T (p.Arg479Cys)

Gene: MKS1 (MKS transition zone complex subunit 1; minus strand). Cytogenetic location: 17q22.
Variant type: single nucleotide variant.
Coding change: c.1435C>T on transcript NM_017777.4 (MANE Select); coding-DNA position 1435, C replaced by T.
Protein change: p.Arg479Cys; replaces arginine 479 with cysteine.
Molecular consequence: missense variant. On other transcripts: intron variant (2).
Genome position (GRCh38, 1-based): chr17:58,206,520, G>A on the plus strand (C>T on the coding strand, the complement: MKS1 is on the minus strand). VCF-style: chr17-58206520-G-A. GRCh37 (hg19) VCF-style: chr17-56283881-G-A.
Other names: c.826C>T, p.Arg276Cys (NM_001321268.2); c.1274-140C>T (NM_001330397.2); c.1408-140C>T (NM_001321269.2); c.1435C>T (NM_017777.3); short protein forms R276C, R479C.
Identifiers: ClinVar variation 1285105 (VCV001285105.9), dbSNP rs769442220, ClinGen allele CA8669122.
Genomic context (GRCh38, chr17:58,206,520, plus strand): 5'-CTCACCTGGACTGCTGCAGACAGTGCAAGCGGAAGGTGACAGTGCCTGTGGTCTCTGTGC[G>A]GAGTCCAAAGCGGCTCAGGCGTTCCCCCTGTGGCATGCCATTGGGACAGCCTCAGGTTTC-3'
Protein context (NP_060247.2, residues 469-489): KGERLSRFGL[Arg479Cys]TETTGTVTFR